The following is an entry in ClinVar:

ClinVar aggregate classification (germline): Uncertain significance (1 of 4 stars; one submission).

Submission:

Ambry Genetics
Classification: Uncertain significance. Last evaluated: 2023-05-26. Review status: criteria provided, single submitter. Criteria: Ambry Variant Classification Scheme 2023. Collection method: clinical testing. Allele origin: germline.
Comment: The p.N379D variant (also known as c.1135A>G), located in coding exon 6 of the GALNT12 gene, results from an A to G substitution at nucleotide position 1135. The asparagine at codon 379 is replaced by aspartic acid, an amino acid with highly similar properties. This amino acid position is conserved. In addition, the in silico prediction for this alteration is inconclusive. Since supporting evidence is limited at this time, the clinical significance of this alteration remains unclear.

NM_024642.5(GALNT12):c.1135A>G (p.Asn379Asp)

Gene: GALNT12 (polypeptide N-acetylgalactosaminyltransferase 12; plus strand). Cytogenetic location: 9q22.33.
Variant type: single nucleotide variant.
Coding change: c.1135A>G on transcript NM_024642.5 (MANE Select); coding-DNA position 1135, A replaced by G.
Protein change: p.Asn379Asp; replaces asparagine 379 with aspartic acid.
Molecular consequence: missense variant.
Genome position (GRCh38, 1-based): chr9:98,837,071, A>G. VCF-style: chr9-98837071-A-G. GRCh37 (hg19) VCF-style: chr9-101599353-A-G.
Other names: short protein forms N379D.
Identifiers: ClinVar variation 2566273 (VCV002566273.2), dbSNP rs1836171338, ClinGen allele CA374219865.
Genomic context (GRCh38, chr9:98,837,071, plus strand): 5'-TCCCATGTTGGCCATGTTTTCCCCAAGCAAGCTCCCTACTCCCGCAACAAGGCTCTGGCC[A>G]ACAGTGTTCGTGCAGCTGAAGTATGGATGGATGAATTTAAAGAGCTCTACTACCATCGCA-3'
Protein context (NP_078918.3, residues 369-389): APYSRNKALA[Asn379Asp]SVRAAEVWMD